The following is an entry in ClinVar:

ClinVar aggregate classification (germline): Uncertain significance. Review status: criteria provided, multiple submitters, no conflicts (2 of 4 stars). 3 submissions from 3 submitters: Uncertain significance (3). Last evaluated 2025-05-01.

Conditions:
Inborn genetic diseases. Identifiers: MedGen C0950123, MeSH D030342.

gnomAD v4.1: 31 of 1,614,134 alleles (0.0019%); highest among the groups gnomAD compares: Non-Finnish European, 0.0025%; no homozygotes.

Submissions (3):

CeGaT Center for Human Genetics Tuebingen
Classification: Uncertain significance. Last evaluated: 2025-05-01. Review status: criteria provided, single submitter. Criteria: CeGaT Center For Human Genetics Tuebingen Variant Classification Criteria Version 2. Collection method: clinical testing. Allele origin: germline. Affected: yes. Observed: 1 variant allele.
Comment: COL4A1: PP3

Ambry Genetics
Classification: Uncertain significance for Inborn genetic diseases. Last evaluated: 2024-09-08. Review status: criteria provided, single submitter. Criteria: Ambry Variant Classification Scheme 2023. Collection method: clinical testing. Allele origin: germline.

Revvity Omics, Revvity
Classification: Uncertain significance. Last evaluated: 2024-06-13. Review status: criteria provided, single submitter. Criteria: ACMG Guidelines, 2015. Collection method: clinical testing. Allele origin: germline.

NM_001845.6(COL4A1):c.113A>C (p.Lys38Thr)

Gene: COL4A1 (collagen type IV alpha 1 chain; minus strand). Cytogenetic location: 13q34.
Variant type: single nucleotide variant.
Coding change: c.113A>C on transcript NM_001845.6 (MANE Select); coding-DNA position 113, A replaced by C.
Protein change: p.Lys38Thr; replaces lysine 38 with threonine.
Molecular consequence: missense variant.
Genome position (GRCh38, 1-based): chr13:110,242,706, T>G on the plus strand (A>C on the coding strand, the complement: COL4A1 is on the minus strand). VCF-style: chr13-110242706-T-G. GRCh37 (hg19) VCF-style: chr13-110895053-T-G.
Other names: c.113A>C, p.Lys38Thr (NM_001303110.2); short protein forms K38T.
Identifiers: ClinVar variation 3495476 (VCV003495476.12).